The following is an entry in ClinVar:

ClinVar aggregate classification (germline): Uncertain significance (1 of 4 stars; one submission).

Conditions:
Episodic ataxia type 1 (EA1). Also called: MYOKYMIA WITH PERIODIC ATAXIA; PAROXYSMAL ATAXIA WITH NEUROMYOTONIA, HEREDITARY; ATAXIA, EPISODIC, WITH MYOKYMIA; Episodic ataxia/myokymia syndrome. Identifiers: Orphanet 37612, Orphanet 972, MedGen C1719788, MONDO:0008047, OMIM 160120.

Submission:

3billion
Classification: Uncertain significance for Episodic ataxia type 1. Last evaluated: 2025-07-11. Review status: criteria provided, single submitter. Criteria: ACMG Guidelines, 2015. Collection method: clinical testing. Allele origin: germline. Affected: yes.
Comment: The variant is observed at an extremely low frequency in the gnomAD v4.1.0 dataset (total allele frequency: <0.001%). Predicted Consequence/Location: Missense variant. Missense changes are a common disease-causing mechanism. In silico tool predictions suggest damaging effect of the variant on gene or gene product [REVEL: 0.96 (>=0.6, sensitivity 0.68 and specificity 0.92); 3Cnet: 0.99 (> 0.75, sensitivity 0.96 and precision 0.92)]. Different missense changes at the same codon (p.Pro244His, p.Pro244Ser) have been reported to be associated with KCNA1-related disorder (ClinVar ID: VCV000013490, VCV003378412 /PMID: 11026449). However the evidence of pathogenicity is insufficient at this time. Therefore, this variant is classified as VUS according to the recommendation of ACMG/AMP guideline.

Literature cited by the submitters: PubMed 11026449.

NM_000217.3(KCNA1):c.731C>T (p.Pro244Leu)

Gene: KCNA1 (potassium voltage-gated channel subfamily A member 1; plus strand). Cytogenetic location: 12p13.32.
Variant type: single nucleotide variant.
Coding change: c.731C>T on transcript NM_000217.3 (MANE Select); coding-DNA position 731, C replaced by T.
Protein change: p.Pro244Leu; replaces proline 244 with leucine.
Molecular consequence: missense variant.
Genome position (GRCh38, 1-based): chr12:4,912,109, C>T. VCF-style: chr12-4912109-C-T. GRCh37 (hg19) VCF-style: chr12-5021275-C-T.
Other names: short protein forms P244L.
Identifiers: ClinVar variation 4854680 (VCV004854680.1).